The following is an entry in ClinVar:

NM_004612.4(TGFBR1):c.97+15GGCG[4]

Gene: TGFBR1 (transforming growth factor beta receptor 1; plus strand). Cytogenetic location: 9q22.33.
Variant type: Microsatellite.
Coding change: c.97+15GGCG[4] on transcript NM_004612.4 (MANE Select); four copies in a row of the 4-base unit GGCG starting at c.97+15; the reference has three copies in a row; one copy, 4 bases duplicated.
Molecular consequence: intron variant.
Genome position (GRCh38, 1-based): chr9:99,105,325-99,105,328, GGCG duplicated; duplicating any 4 consecutive bases within chr9:99,105,317-99,105,328 gives the same sequence; the position shown is the placement nearest the transcript's 3' end. VCF-style (leftmost placement, unchanged base first): chr9-99105316-C-CGGCG. GRCh37 (hg19) VCF-style: chr9-101867598-C-CGGCG.
Other names: c.97+15GGCG[4] (NM_001306210.2, NM_001130916.3).
Identifiers: ClinVar variation 364097 (VCV000364097.43), dbSNP rs886063221, ClinGen allele CA10634282.

ClinVar aggregate classification (germline): Benign/Likely benign. Review status: criteria provided, multiple submitters, no conflicts (2 of 4 stars). 3 submissions from 3 submitters: Benign (1); Likely benign (2). Last evaluated 2026-01-27.

Conditions:
Familial thoracic aortic aneurysm and aortic dissection (TAAD). Also called: Thoracic aortic aneurysms and dissections. Identifiers: Orphanet 91387, MedGen C4707243, MONDO:0019625.

Submissions (3):

Labcorp Genetics (formerly Invitae), Labcorp
Classification: Likely benign for Familial thoracic aortic aneurysm and aortic dissection. Last evaluated: 2026-01-27. Review status: criteria provided, single submitter. Criteria: Invitae Variant Classification Sherloc (09022015). Collection method: clinical testing. Allele origin: germline.

Blueprint Genetics
Classification: Likely benign. Last evaluated: 2024-10-02. Review status: criteria provided, single submitter. Criteria: ACMG Guidelines, 2015. Collection method: clinical testing. Allele origin: germline.

CeGaT Center for Human Genetics Tuebingen
Classification: Benign. Last evaluated: 2022-10-01. Review status: criteria provided, single submitter. Criteria: CeGaT Center For Human Genetics Tuebingen Variant Classification Criteria Version 2. Collection method: clinical testing. Allele origin: germline. Affected: yes. Observed: 1 variant allele.
Comment: TGFBR1: BS1, BS2